The following is an entry in ClinVar:

NM_000174.5(GP9):c.308G>A (p.Arg103His)

Gene: GP9 (glycoprotein IX platelet; plus strand). Cytogenetic location: 3q21.3.
Variant type: single nucleotide variant.
Coding change: c.308G>A on transcript NM_000174.5 (MANE Select); coding-DNA position 308, G replaced by A.
Protein change: p.Arg103His; replaces arginine 103 with histidine.
Molecular consequence: missense variant.
Genome position (GRCh38, 1-based): chr3:129,062,047, G>A. VCF-style: chr3-129062047-G-A. GRCh37 (hg19) VCF-style: chr3-128780890-G-A.
Other names: short protein forms R103H.
Identifiers: ClinVar variation 3709082 (VCV003709082.1).

ClinVar aggregate classification (germline): Uncertain significance (1 of 4 stars; one submission).

Submission:

Labcorp Genetics (formerly Invitae), Labcorp
Classification: Uncertain significance. Last evaluated: 2024-06-03. Review status: criteria provided, single submitter. Criteria: Invitae Variant Classification Sherloc (09022015). Collection method: clinical testing. Allele origin: germline.
Comment: This sequence change replaces arginine, which is basic and polar, with histidine, which is basic and polar, at codon 103 of the GP9 protein (p.Arg103His). The frequency data for this variant in the population databases is considered unreliable, as metrics indicate poor data quality at this position in the gnomAD database. This variant has not been reported in the literature in individuals affected with GP9-related conditions. Algorithms developed to predict the effect of missense changes on protein structure and function output the following: SIFT: "Not Available"; PolyPhen-2: "Benign"; Align-GVGD: "Not Available". The histidine amino acid residue is found in multiple mammalian species, which suggests that this missense change does not adversely affect protein function. In summary, the available evidence is currently insufficient to determine the role of this variant in disease. Therefore, it has been classified as a Variant of Uncertain Significance.